The following is an entry in ClinVar:

ClinVar aggregate classification (germline): Likely benign (0 of 4 stars; one submission).

Conditions:
DMRT2-related disorder. Also called: DMRT2-related condition.

Allele frequency attached by ClinVar (database versions not stated): gnomAD exomes 0.00002; ExAC 0.00003; gnomAD 0.00006; TOPMed 0.00018.
gnomAD v4.1: 42 of 1,614,054 alleles (0.0026%); highest among the groups gnomAD compares: Admixed American, 0.032%; no homozygotes.

Submission:

PreventionGenetics, part of Exact Sciences
Classification: Likely benign for DMRT2-related condition. Last evaluated: 2019-05-07. Review status: no assertion criteria provided. Collection method: clinical testing. Allele origin: germline.
Comment: This variant is classified as likely benign based on ACMG/AMP sequence variant interpretation guidelines (Richards et al. 2015 PMID: 25741868, with internal and published modifications).

NM_181872.6(DMRT2):c.741C>T (p.Asn247=)

Gene: DMRT2 (doublesex and mab-3 related transcription factor 2; plus strand). Cytogenetic location: 9p24.3.
Variant type: single nucleotide variant.
Coding change: c.741C>T on transcript NM_181872.6 (MANE Select); coding-DNA position 741, C replaced by T.
Protein change: p.Asn247=; no amino-acid change (asparagine 247 retained).
Molecular consequence: synonymous variant. On other transcripts: 3 prime UTR variant (4), non-coding transcript variant (1).
Genome position (GRCh38, 1-based): chr9:1,056,328, C>T. VCF-style: chr9-1056328-C-T. GRCh37 (hg19) VCF-style: chr9-1056328-C-T.
Other names: c.*138C>T (NM_001130865.3, NM_001370533.1, NM_001387557.1); c.219C>T, p.Asn73= (NM_001370532.1); c.741C>T, p.Asn247= (NM_001387558.1, NM_001387559.1); c.42C>T, p.Asn14= (NM_001387560.1); c.*554C>T (NM_006557.7).
Identifiers: ClinVar variation 3041906 (VCV003041906.2), dbSNP rs759993378, ClinGen allele CA4962445.
Genomic context (GRCh38, chr9:1,056,328, plus strand): 5'-TCCCCCAGTTAGTGACAGGATGAGGAAAAGAAGAGCCTTTGCTGATAAAGAGTTGGAGAA[C>T]ATTATGCTGGAGAGAGAATATAAAGAAAGGGAGATGTTGGAAACTTCTCAAGCTGCTGCT-3'
Protein context (NP_870987.2, residues 237-257): RRAFADKELE[Asn247=]IMLEREYKER